The following is an entry in ClinVar:

ClinVar aggregate classification (germline): Uncertain significance (1 of 4 stars; one submission).

Conditions:
Hereditary cancer-predisposing syndrome. Also called: Neoplastic Syndromes, Hereditary; Tumor predisposition; Hereditary Cancer Syndrome; Hereditary neoplastic syndrome. Identifiers: Orphanet 140162, MedGen C0027672, MeSH D009386, MONDO:0015356.

Submission:

Ambry Genetics
Classification: Uncertain significance for Hereditary cancer-predisposing syndrome. Last evaluated: 2021-06-07. Review status: criteria provided, single submitter. Criteria: Ambry Variant Classification Scheme 2023. Collection method: clinical testing. Allele origin: germline.
Comment: The p.G306R variant (also known as c.916G>C), located in coding exon 7 of the RAD51C gene, results from a G to C substitution at nucleotide position 916. The glycine at codon 306 is replaced by arginine, an amino acid with dissimilar properties. This amino acid position is highly conserved in available vertebrate species. In addition, this alteration is predicted to be deleterious by in silico analysis. Since supporting evidence is limited at this time, the clinical significance of this alteration remains unclear.

NM_058216.3(RAD51C):c.916G>C (p.Gly306Arg)

Gene: RAD51C (RAD51 paralog C; plus strand). Cytogenetic location: 17q22.
Variant type: single nucleotide variant.
Coding change: c.916G>C on transcript NM_058216.3 (MANE Select); coding-DNA position 916, G replaced by C.
Protein change: p.Gly306Arg; replaces glycine 306 with arginine.
Molecular consequence: missense variant. On other transcripts: non-coding transcript variant (1).
Genome position (GRCh38, 1-based): chr17:58,724,051, G>C. VCF-style: chr17-58724051-G-C. GRCh37 (hg19) VCF-style: chr17-56801412-G-C.
Other names: c.*344G>C (NM_058217.1); short protein forms G306R.
Identifiers: ClinVar variation 1766044 (VCV001766044.2), dbSNP rs587782733, ClinGen allele CA400361321.
Genomic context (GRCh38, chr17:58,724,051, plus strand): 5'-TAACCAAGTCAGTAAGGCCATATACAGTTATTATGTTTTTTACTCTCAGGGGAAAGTTGG[G>C]GACATGCTGCTACAATACGGCTAATCTTTCATTGGGACCGAAAGCAAAGGTCAGTACAGA-3'
Protein context (NP_478123.1, residues 296-316): LLVPALGESW[Gly306Arg]HAATIRLIFH